The following is an entry in ClinVar:

NM_000393.5(COL5A2):c.1716+7A>G

Gene: COL5A2 (collagen type V alpha 2 chain; minus strand). Cytogenetic location: 2q32.2.
Variant type: single nucleotide variant.
Coding change: c.1716+7A>G on transcript NM_000393.5 (MANE Select); 7 bases into the intron after coding-DNA position 1716, A replaced by G.
Molecular consequence: intron variant.
Genome position (GRCh38, 1-based): chr2:189,064,550, T>C on the plus strand (A>G on the coding strand, the complement: COL5A2 is on the minus strand). VCF-style: chr2-189064550-T-C. GRCh37 (hg19) VCF-style: chr2-189929276-T-C.
Identifiers: ClinVar variation 380735 (VCV000380735.1), dbSNP rs1057520896, ClinGen allele CA16604301.
Genomic context (GRCh38, chr2:189,064,550, plus strand): 5'-ACCCGACCAATGCATGCTCAGGAGCACTTCTCCCCTTTGATGTAGCAAACACTTGCTATA[T>C]TCTTACCCGAGCACCTGGAAGCCCAGGTTCCCCTGGACGTCCTGGATCCCCCTGGCTTCC-3'

ClinVar aggregate classification (germline): Likely benign (1 of 4 stars; one submission).

Allele frequency attached by ClinVar (database versions not stated): gnomAD exomes 0.00001.
gnomAD v4.1: 4 of 1,609,160 alleles (0.00025%); highest among the groups gnomAD compares: Middle Eastern, 0.05%; no homozygotes.

Submission:

GeneDx
Classification: Likely benign. Last evaluated: 2015-10-07. Review status: criteria provided, single submitter. Criteria: GeneDx Variant Classification (06012015). Collection method: clinical testing. Allele origin: germline. Affected: yes.
Comment: This variant is considered likely benign or benign based on one or more of the following criteria: it is a conservative change, it occurs at a poorly conserved position in the protein, it is predicted to be benign by multiple in silico algorithms, and/or has population frequency not consistent with disease.